The following is an entry in ClinVar:

ClinVar aggregate classification (germline): Benign/Likely benign. Review status: criteria provided, multiple submitters, no conflicts (2 of 4 stars). 3 submissions from 3 submitters: Benign (1); Likely benign (2). Last evaluated 2025-06-27.

Conditions:
Hereditary cancer-predisposing syndrome. Also called: Neoplastic Syndromes, Hereditary; Hereditary neoplastic syndrome; Tumor predisposition; Hereditary Cancer Syndrome. Identifiers: Orphanet 140162, MedGen C0027672, MeSH D009386, MONDO:0015356.
Hereditary nonpolyposis colorectal neoplasms. Identifiers: MedGen C0009405, MeSH D003123.
Lynch syndrome 5 (LYNCH5). Also called: Colorectal cancer, hereditary nonpolyposis, type 5; Hereditary non-polyposis colorectal cancer, type 5. Identifiers: Orphanet 144, MedGen C1833477, MONDO:0013710, OMIM 614350. Disease mechanism: loss of function.

Allele frequency attached by ClinVar (database versions not stated): gnomAD 0.00001.

Submissions (3):

Labcorp Genetics (formerly Invitae), Labcorp
Classification: Likely benign for Hereditary nonpolyposis colorectal neoplasms. Last evaluated: 2025-06-27. Review status: criteria provided, single submitter. Criteria: Invitae Variant Classification Sherloc (09022015). Collection method: clinical testing. Allele origin: germline.

Myriad Genetics, Inc.
Classification: Benign for Lynch syndrome 5. Last evaluated: 2024-12-17. Review status: criteria provided, single submitter. Criteria: Myriad Autosomal Dominant, Autosomal Recessive and X-Linked Classification Criteria (2023). Collection method: clinical testing. Allele origin: unknown.
Comment: This variant is considered benign. This variant is a silent/synonymous amino acid change and it is not expected to impact splicing.

Ambry Genetics
Classification: Likely benign for Hereditary cancer-predisposing syndrome. Last evaluated: 2018-05-16. Review status: criteria provided, single submitter. Criteria: Ambry Variant Classification Scheme 2023. Collection method: clinical testing. Allele origin: germline.

NM_000179.3(MSH6):c.210G>A (p.Lys70=)

Gene: MSH6 (mutS homolog 6; plus strand). Cytogenetic location: 2p16.3.
Variant type: single nucleotide variant.
Coding change: c.210G>A on transcript NM_000179.3 (MANE Select); coding-DNA position 210, G replaced by A.
Protein change: p.Lys70=; no amino-acid change (lysine 70 retained).
Molecular consequence: synonymous variant. On other transcripts: 5 prime UTR variant (1).
Genome position (GRCh38, 1-based): chr2:47,783,443, G>A. VCF-style: chr2-47783443-G-A. GRCh37 (hg19) VCF-style: chr2-48010582-G-A.
Other names: c.210G>A, p.Lys70= (NM_001281492.2); c.-527G>A (NM_001281493.2).
Identifiers: ClinVar variation 795832 (VCV000795832.11), dbSNP rs1180779317, ClinGen allele CA426120810.